The following is an entry in ClinVar:

NM_000540.3(RYR1):c.14545G>A (p.Val4849Ile)

Gene: RYR1 (ryanodine receptor 1; plus strand). Cytogenetic location: 19q13.2.
Variant type: single nucleotide variant.
Coding change: c.14545G>A on transcript NM_000540.3 (MANE Select); coding-DNA position 14545, G replaced by A.
Protein change: p.Val4849Ile; replaces valine 4849 with isoleucine.
Molecular consequence: missense variant.
Genome position (GRCh38, 1-based): chr19:38,580,403, G>A. VCF-style: chr19-38580403-G-A. GRCh37 (hg19) VCF-style: chr19-39071043-G-A.
Other names: c.14530G>A, p.Val4844Ile (NM_001042723.2); short protein forms V4849I, V4844I.
Identifiers: ClinVar variation 12984 (VCV000012984.70), dbSNP rs118192168, ClinGen allele CA024171.

ClinVar aggregate classification (germline): drug response. Review status: reviewed by expert panel (3 of 4 stars). 29 submissions from 22 submitters: drug response (7). 22 of the submissions do not count toward it. Last evaluated 2021-03-24.

Conditions:
RYR1-related myopathy. Identifiers: Orphanet 98742, MedGen CN305348, MONDO:0100150.
Inborn genetic diseases. Identifiers: MedGen C0950123, MeSH D030342.
RYR1-related disorder. Also called: RYR1-related disorders; RYR1-related condition. Identifiers: MedGen CN239331.
Malignant hyperthermia of anesthesia. Also called: Anesthesic-triggered malignant hyperthermia. Identifiers: Orphanet 423, MedGen C0024591, MONDO:0018493, HP:0034733.
Centronuclear myopathy (CNM). Also called: Myotubular myopathy; Centronuclear myopathy, congenital. Identifiers: Orphanet 595, MedGen C0175709, MONDO:0018947. Inheritance: All.
Malignant hyperthermia, susceptibility to, 1 (MHS1). Also called: RYR1-Related Malignant Hyperthermia Susceptibility; Malignant hyperthermia suceptibility 1; Anesthesia related hyperthermia; Malignant hyperpyrexia; Fulminating hyperpyrexia; Pharmacogenic myopathy. Identifiers: Orphanet 423, MedGen C2930980, MONDO:0007783, OMIM 145600.
Congenital multicore myopathy with external ophthalmoplegia (CMYO1B). Also called: Minicore myopathy with external ophthalmoplegia; Congenital myopathy 1B, autosomal recessive; Minicore myopathy; MULTICORE MYOPATHY; MULTIMINICORE DISEASE WITH EXTERNAL OPHTHALMOPLEGIA. Identifiers: Orphanet 598, Orphanet 98905, MedGen C1850674, MONDO:0009712, OMIM 255320, HP:0003789.
sevoflurane response - Toxicity.
succinylcholine response - Toxicity.
isoflurane response - Toxicity.
methoxyflurane response - Toxicity.
halothane response - Toxicity.
desflurane response - Toxicity.
enflurane response - Toxicity.

Allele frequency attached by ClinVar (database versions not stated): TOPMed below 0.00001; ExAC 0.00001; gnomAD exomes 0.00002; gnomAD 0.00001.

Submissions 1 to 12 of 29:

ClinPGx
Classification: drug response for desflurane response - Toxicity. Last evaluated: 2021-03-24. Review status: reviewed by expert panel. Criteria: Pharmacogenomics knowledge for personalized medicine. Collection method: curation. Allele origin: germline. Affected: yes.
Comment: PharmGKB Level of Evidence 1A: Level 1A clinical annotations describe variant-drug combinations that have variant-specific prescribing guidance available in a current clinical guideline annotation or an FDA-approved drug label annotation. Annotations of drug labels or clinical guidelines must give prescribing guidance for specific variants (e.g. CYP2C9*3, HLA-B*57:01) or provide mapping from defined allele functions to diplotypes and phenotypes to be used as supporting evidence for a level 1A clinical annotation. Level 1A clinical annotations must also be supported by at least one publication in addition to a clinical guideline or drug label with variant-specific prescribing guidance.

Drug is not necessarily used to treat response condition

ClinPGx
Classification: drug response for enflurane response - Toxicity. Last evaluated: 2021-03-24. Review status: reviewed by expert panel. Criteria: Pharmacogenomics knowledge for personalized medicine. Collection method: curation. Allele origin: germline. Affected: yes.
Comment: the same text as in the submission from ClinPGx above.

ClinPGx
Classification: drug response for halothane response - Toxicity. Last evaluated: 2021-03-24. Review status: reviewed by expert panel. Criteria: Pharmacogenomics knowledge for personalized medicine. Collection method: curation. Allele origin: germline. Affected: yes.
Comment: the same text as in the submission from ClinPGx above.

ClinPGx
Classification: drug response for isoflurane response - Toxicity. Last evaluated: 2021-03-24. Review status: reviewed by expert panel. Criteria: Pharmacogenomics knowledge for personalized medicine. Collection method: curation. Allele origin: germline. Affected: yes.
Comment: the same text as in the submission from ClinPGx above.

ClinPGx
Classification: drug response for methoxyflurane response - Toxicity. Last evaluated: 2021-03-24. Review status: reviewed by expert panel. Criteria: Pharmacogenomics knowledge for personalized medicine. Collection method: curation. Allele origin: germline. Affected: yes.
Comment: the same text as in the submission from ClinPGx above.

ClinPGx
Classification: drug response for sevoflurane response - Toxicity. Last evaluated: 2021-03-24. Review status: reviewed by expert panel. Criteria: Pharmacogenomics knowledge for personalized medicine. Collection method: curation. Allele origin: germline. Affected: yes.
Comment: the same text as in the submission from ClinPGx above.

ClinPGx
Classification: drug response for succinylcholine response - Toxicity. Last evaluated: 2021-03-24. Review status: reviewed by expert panel. Criteria: Pharmacogenomics knowledge for personalized medicine. Collection method: curation. Allele origin: germline. Affected: yes.
Comment: the same text as in the submission from ClinPGx above.

Dasa
Classification: Pathogenic. Last evaluated: 2026-02-17. Review status: criteria provided, single submitter. Criteria: DASA Assertion Criteria. Collection method: clinical testing. Allele origin: germline. Not counted in ClinVar's aggregate classification.
Comment: NM_000540.3(RYR1):c.14545G>A (p.Val4849Ile) is a missense variant that results in the substitution of valine with isoleucine. The affected residue or protein region has prior evidence supporting clinical relevance. Segregation evidence has been reported in affected families. Functional evidence supports a deleterious effect on the gene or gene product (PMID: 12136074; PMID: 22473935; PMID: 28818389; PMID: 15731587; PMID: 19346234). This variant has been recurrently observed in individuals with related phenotype (PMID: 12136074; PMID: 22473935; PMID: 28818389; PMID: 15731587; PMID: 19346234). Multiple computational predictions support a deleterious effect on the gene or gene product. The variant is present at low frequency in population datasets. Based on the available data, this variant is classified as pathogenic.

Institute of Human Genetics, University of Leipzig Medical Center
Classification: Pathogenic for Malignant hyperthermia, susceptibility to, 1. Last evaluated: 2025-12-08. Review status: criteria provided, single submitter. Criteria: ACMG Guidelines, 2015. Collection method: clinical testing. Allele origin: unknown. Inheritance: Autosomal dominant inheritance. Affected: yes. Not counted in ClinVar's aggregate classification.
Comment: Criteria applied: PS4,PP1_STR,PS3_MOD,PM1_SUP

Labcorp Genetics (formerly Invitae), Labcorp
Classification: Pathogenic for RYR1-related disorder. Last evaluated: 2025-09-14. Review status: criteria provided, single submitter. Criteria: Invitae Variant Classification Sherloc (09022015). Collection method: clinical testing. Allele origin: germline. Not counted in ClinVar's aggregate classification.
Comment: This sequence change replaces valine, which is neutral and non-polar, with isoleucine, which is neutral and non-polar, at codon 4849 of the RYR1 protein (p.Val4849Ile). This variant is present in population databases (rs118192168, gnomAD 0.004%). This missense change has been observed in individual(s) with autosomal recessive RYR1-related myopathy (PMID: 12136074, 22473935, 28818389). In at least one individual the data is consistent with being in trans (on the opposite chromosome) from a pathogenic variant. This variant has also been reported in individual(s) with autosomal dominant malignant hyperthermia susceptibility (PMID: 19648156). ClinVar contains an entry for this variant (Variation ID: 12984). Invitae Evidence Modeling of protein sequence and biophysical properties (such as structural, functional, and spatial information, amino acid conservation, physicochemical variation, residue mobility, and thermodynamic stability) indicates that this missense variant is expected to disrupt RYR1 protein function with a positive predictive value of 80%. For these reasons, this variant has been classified as Pathogenic.

Revvity Omics, Revvity
Classification: Likely pathogenic. Last evaluated: 2024-11-14. Review status: criteria provided, single submitter. Criteria: ACMG Guidelines, 2015. Collection method: clinical testing. Allele origin: germline. Not counted in ClinVar's aggregate classification.

Victorian Clinical Genetics Services, Murdoch Childrens Research Institute
Classification: Pathogenic for RYR1-related myopathy. Last evaluated: 2024-10-08. Review status: criteria provided, single submitter. Criteria: ACMG Guidelines, 2015. Collection method: clinical testing. Allele origin: germline. Affected: yes. Not counted in ClinVar's aggregate classification.
Comment: Based on the classification scheme VCGS_Germline_v1.3.4, this variant is classified as Pathogenic. Following criteria are met: 0103 - Loss of function and gain of function are known mechanisms of disease in this gene and are associated with RYR1-related disorders (OMIM). Gain of function mechanism has been described in the context of malignant hyperthermia susceptibility 1 (MIM#145600) and autosomal dominant congenital myopathy 1A with susceptibility to malignant hyperthermia (MIM#117000). Autosomal recessive congenital myopathy 1B (MIM#255320) is associated with a loss of function mechanism (PMIDs: 27855725, 23919265). The mechanism of King-Denborough syndrome (MIM#619542) is unclear. (I) 0108 - This gene is associated with both recessive and dominant disease (OMIM). (I) 0200 - Variant is predicted to result in a missense amino acid change from valine to isoleucine. (I) 0251 - This variant is heterozygous. (I) 0304 - Variant is present in gnomAD (v2) <0.01 (5 heterozygotes, 0 homozygotes). (SP) 0502 - Missense variant with conflicting in silico predictions and high conservation. (I) 0602 - Variant is located in a hotspot region or cluster of pathogenic variants (PMID: 23919265). (SP) 0801 - This variant has strong previous evidence of pathogenicity in unrelated individuals. This variant has been classified as pathogenic by multiple clinical laboratories in ClinVar and has been observed as heterozygous in individuals with dominant susceptibility malignant hyperthermia and central core disease, as well as homozygous or compound heterozygous in individuals with recessive centronuclear myopathy or central core disease (PMIDs: 12136074, 25960145, 25958340, 17226826, 28818389, 19648156). This variant is classified as a diagnostic variant for malignant hyperthermia by the EMHG. (SP) 1208 - Inheritance information for this variant is not currently available in this individual. (I) Legend: (SP) - Supporting pathogenic, (I) - Information, (SB) - Supporting benign